The following is an entry in ClinVar:

NM_000257.4(MYH7):c.5451G>C (p.Ala1817=)

Gene: MYH7 (myosin heavy chain 7; minus strand). Cytogenetic location: 14q11.2.
Variant type: single nucleotide variant.
Coding change: c.5451G>C on transcript NM_000257.4 (MANE Select); coding-DNA position 5451, G replaced by C.
Protein change: p.Ala1817=; no amino-acid change (alanine 1817 retained).
Molecular consequence: synonymous variant.
Genome position (GRCh38, 1-based): chr14:23,415,103, C>G on the plus strand (G>C on the coding strand, the complement: MYH7 is on the minus strand). VCF-style: chr14-23415103-C-G. GRCh37 (hg19) VCF-style: chr14-23884312-C-G.
Identifiers: ClinVar variation 695274 (VCV000695274.17), dbSNP rs138682220, ClinGen allele CA046804.

ClinVar aggregate classification (germline): Likely benign. Review status: criteria provided, multiple submitters, no conflicts (2 of 4 stars). 6 submissions from 6 submitters: Likely benign (6). Last evaluated 2025-09-10.

Conditions:
Cardiovascular phenotype. Identifiers: MedGen CN230736.
Hypertrophic cardiomyopathy. Also called: HYPERTROPHIC MYOCARDIOPATHY. Identifiers: Orphanet 217569, MedGen C0007194, MeSH D002312, MONDO:0005045, HP:0001639.
Cardiomyopathy (CMYO). Also called: Cardiomyopathies. Identifiers: Orphanet 167848, MedGen C0878544, MONDO:0004994, HP:0001638. Inheritance: Various modes of inheritance.

Allele frequency attached by ClinVar (database versions not stated): TOPMed 0.00002.
gnomAD v4.1: 25 of 1,613,972 alleles (0.0015%); highest among the groups gnomAD compares: Non-Finnish European, 0.0021%; no homozygotes.

Submissions (6):

Labcorp Genetics (formerly Invitae), Labcorp
Classification: Likely benign for Hypertrophic cardiomyopathy. Last evaluated: 2025-09-10. Review status: criteria provided, single submitter. Criteria: Invitae Variant Classification Sherloc (09022015). Collection method: clinical testing. Allele origin: germline.

All of Us Research Program, National Institutes of Health
Classification: Likely benign for Cardiomyopathy. Last evaluated: 2023-12-01. Review status: criteria provided, single submitter. Criteria: ACMG Guidelines, 2015. Collection method: clinical testing. Allele origin: germline. Inheritance: Autosomal dominant inheritance. Observed: 6 variant alleles, 6 heterozygotes.
Comment: This study involves interpretation of variants in research participants for the purpose of population health screening. Participant phenotype was not available at the time of variant classification. Additional details can be found in publication PMID: 35346344, PMCID: PMC8962531

Blueprint Genetics
Classification: Likely benign. Last evaluated: 2023-08-16. Review status: criteria provided, single submitter. Criteria: ACMG Guidelines, 2015. Collection method: clinical testing. Allele origin: germline.

Ambry Genetics
Classification: Likely benign for Cardiovascular phenotype. Last evaluated: 2020-02-13. Review status: criteria provided, single submitter. Criteria: Ambry Variant Classification Scheme 2023. Collection method: clinical testing. Allele origin: germline.

Color Diagnostics, LLC DBA Color Health
Classification: Likely benign for Cardiomyopathy. Last evaluated: 2019-12-09. Review status: criteria provided, single submitter. Criteria: ACMG Guidelines, 2015. Collection method: clinical testing. Allele origin: germline.

Breakthrough Genomics
Classification: Likely benign. Review status: criteria provided, single submitter. Criteria: ACMG Guidelines, 2015. Collection method: not provided. Allele origin: germline. Inheritance: Autosomal recessive inheritance. Affected: yes.